The following is an entry in ClinVar:

NM_152296.5(ATP1A3):c.2154C>T (p.Ala718=)

Gene: ATP1A3 (ATPase Na+/K+ transporting subunit alpha 3; minus strand). Cytogenetic location: 19q13.2.
Variant type: single nucleotide variant.
Coding change: c.2154C>T on transcript NM_152296.5 (MANE Select); coding-DNA position 2154, C replaced by T.
Protein change: p.Ala718=; no amino-acid change (alanine 718 retained).
Molecular consequence: synonymous variant.
Genome position (GRCh38, 1-based): chr19:41,975,738, G>A on the plus strand (C>T on the coding strand, the complement: ATP1A3 is on the minus strand). VCF-style: chr19-41975738-G-A. GRCh37 (hg19) VCF-style: chr19-42479890-G-A.
Other names: c.2187C>T, p.Ala729= (NM_001256213.2); c.2193C>T, p.Ala731= (NM_001256214.2).
Identifiers: ClinVar variation 1122890 (VCV001122890.32), dbSNP rs782463652, ClinGen allele CA9467452.

ClinVar aggregate classification (germline): Likely benign. Review status: criteria provided, multiple submitters, no conflicts (2 of 4 stars). 2 submissions from 2 submitters: Likely benign (2). Last evaluated 2025-11-14.

Conditions:
Dystonia 12 (DYT12). Also called: DYT-ATP1A3; Rapid-Onset Dystonia-Parkinsonism (RDP). Identifiers: Orphanet 71517, MedGen C1868681, MONDO:0007496, OMIM 128235.

Allele frequency attached by ClinVar (database versions not stated): gnomAD 0.00002; TOPMed 0.00002; gnomAD exomes 0.00004 and 0.00008; ExAC 0.00009.
gnomAD v4.1: 65 of 1,613,950 alleles (0.004%); highest among the groups gnomAD compares: South Asian, 0.05%; no homozygotes.

Submissions (2):

Labcorp Genetics (formerly Invitae), Labcorp
Classification: Likely benign for Dystonia 12. Last evaluated: 2025-11-14. Review status: criteria provided, single submitter. Criteria: Invitae Variant Classification Sherloc (09022015). Collection method: clinical testing. Allele origin: germline.

CeGaT Center for Human Genetics Tuebingen
Classification: Likely benign. Last evaluated: 2022-08-01. Review status: criteria provided, single submitter. Criteria: CeGaT Center For Human Genetics Tuebingen Variant Classification Criteria Version 2. Collection method: clinical testing. Allele origin: germline. Affected: yes. Observed: 1 variant allele.
Comment: ATP1A3: BP4, BP7